The following is an entry in ClinVar:

NM_015465.5(GEMIN5):c.509+3A>T

Gene: GEMIN5 (gem nuclear organelle associated protein 5; minus strand). Cytogenetic location: 5q33.2.
Variant type: single nucleotide variant.
Coding change: c.509+3A>T on transcript NM_015465.5 (MANE Select); 3 bases into the intron after coding-DNA position 509, A replaced by T.
Molecular consequence: intron variant.
Genome position (GRCh38, 1-based): chr5:154,935,838, T>A on the plus strand (A>T on the coding strand, the complement: GEMIN5 is on the minus strand). VCF-style: chr5-154935838-T-A. GRCh37 (hg19) VCF-style: chr5-154315398-T-A.
Other names: c.509+3A>T (NM_001252156.2).
Identifiers: ClinVar variation 3899475 (VCV003899475.1).

ClinVar aggregate classification (germline): Uncertain significance (1 of 4 stars; one submission).

Submission:

GeneDx
Classification: Uncertain significance. Last evaluated: 2024-11-15. Review status: criteria provided, single submitter. Criteria: GeneDx Variant Classification Process June 2021. Collection method: clinical testing. Allele origin: germline. Affected: yes.
Comment: Not observed at significant frequency in large population cohorts (gnomAD); In silico analysis supports a deleterious effect on splicing; Has not been previously published as pathogenic or benign to our knowledge